The following is an entry in ClinVar:

ClinVar aggregate classification (germline): Likely benign (1 of 4 stars; one submission).

Allele frequency attached by ClinVar (database versions not stated): gnomAD exomes 0.00001; ExAC 0.00004.
gnomAD v4.1: 10 of 1,195,207 alleles (0.00084%); highest among the groups gnomAD compares: Non-Finnish European, 0.0011%; no homozygotes.

Submission:

CeGaT Center for Human Genetics Tuebingen
Classification: Likely benign. Last evaluated: 2022-10-01. Review status: criteria provided, single submitter. Criteria: CeGaT Center For Human Genetics Tuebingen Variant Classification Criteria Version 2. Collection method: clinical testing. Allele origin: germline. Affected: yes. Observed: 1 variant allele.
Comment: ZNF185: PM2:Supporting, BP4, BP7

NM_001395254.1(ZNF185):c.666G>C (p.Val222=)

Gene: ZNF185 (zinc finger protein 185 with LIM domain; plus strand). Cytogenetic location: Xq28.
Variant type: single nucleotide variant.
Coding change: c.666G>C on transcript NM_001395254.1 (MANE Select); coding-DNA position 666, G replaced by C.
Protein change: p.Val222=; no amino-acid change (valine 222 retained).
Molecular consequence: synonymous variant.
Genome position (GRCh38, 1-based): chrX:152,922,182, G>C. VCF-style: chrX-152922182-G-C. GRCh37 (hg19) VCF-style: chrX-152090726-G-C.
Other names: c.663G>C, p.Val221= (NM_001178106.1, NM_001178107.1, NM_001178109.1 and 2 more transcripts); c.666G>C, p.Val222= (NM_001178108.2, NM_001388432.2); c.177G>C, p.Val59= (NM_001178113.2).
Identifiers: ClinVar variation 2661675 (VCV002661675.24), dbSNP rs782445976, ClinGen allele CA10545152.